The following is an entry in ClinVar:

NM_030777.4(SLC2A10):c.*2150C>A

Gene: SLC2A10 (solute carrier family 2 member 10; plus strand). Cytogenetic location: 20q13.12.
Variant type: single nucleotide variant.
Coding change: c.*2150C>A on transcript NM_030777.4 (MANE Select); 2150 bases downstream of the stop codon, C replaced by A.
Molecular consequence: 3 prime UTR variant.
Genome position (GRCh38, 1-based): chr20:46,735,984, C>A. VCF-style: chr20-46735984-C-A. GRCh37 (hg19) VCF-style: chr20-45364623-C-A.
Identifiers: ClinVar variation 338630 (VCV000338630.5), dbSNP rs6012025, ClinGen allele CA10653182.

ClinVar aggregate classification (germline): Likely benign (1 of 4 stars; one submission).

Conditions:
Arterial tortuosity syndrome (ATORS). Identifiers: Orphanet 3342, MedGen C1859726, MONDO:0008818, OMIM 208050.

Allele frequency attached by ClinVar (database versions not stated): 1000 Genomes Project 0.01318; TOPMed 0.01357; 1000 Genomes Project 30x 0.01374.

Submission:

Illumina Laboratory Services, Illumina
Classification: Likely benign for Arterial tortuosity syndrome. Last evaluated: 2017-04-27. Review status: criteria provided, single submitter. Criteria: ICSL Variant Classification Criteria 13 December 2019. Collection method: clinical testing. Allele origin: germline.
Comment: This variant was observed as part of a predisposition screen in an ostensibly healthy population. A literature search was performed for the gene, cDNA change, and amino acid change (where applicable). No publications were found based on this search. Allele frequency data from public databases allowed determination this variant is unlikely to cause disease. Therefore, this variant is classified as likely benign.